The following is an entry in ClinVar:

ClinVar aggregate classification (germline): Uncertain significance (1 of 4 stars; one submission).

gnomAD v4.1: 1 of 1,613,822 alleles (0.000062%); no homozygotes.

Submission:

Labcorp Genetics (formerly Invitae), Labcorp
Classification: Uncertain significance. Last evaluated: 2022-06-20. Review status: criteria provided, single submitter. Criteria: Invitae Variant Classification Sherloc (09022015). Collection method: clinical testing. Allele origin: germline.
Comment: This variant is not present in population databases (gnomAD no frequency). In summary, the available evidence is currently insufficient to determine the role of this variant in disease. Therefore, it has been classified as a Variant of Uncertain Significance. Algorithms developed to predict the effect of missense changes on protein structure and function output the following: SIFT: "Deleterious"; PolyPhen-2: "Benign"; Align-GVGD: "Class C0". The valine amino acid residue is found in multiple mammalian species, which suggests that this missense change does not adversely affect protein function. This variant has not been reported in the literature in individuals affected with RDH5-related conditions. This sequence change replaces alanine, which is neutral and non-polar, with valine, which is neutral and non-polar, at codon 170 of the RDH5 protein (p.Ala170Val).

NM_002905.5(RDH5):c.509C>T (p.Ala170Val)

Genes: BLOC1S1-RDH5 (BLOC1S1-RDH5 readthrough; plus strand), RDH5 (retinol dehydrogenase 5; plus strand). Cytogenetic location: 12q13.2.
Variant type: single nucleotide variant.
Coding change: c.509C>T on transcript NM_002905.5 (MANE Select); coding-DNA position 509, C replaced by T.
Protein change: p.Ala170Val; replaces alanine 170 with valine.
Molecular consequence: missense variant. On other transcripts: non-coding transcript variant (1).
Genome position (GRCh38, 1-based): chr12:55,721,887, C>T. VCF-style: chr12-55721887-C-T. GRCh37 (hg19) VCF-style: chr12-56115671-C-T.
Other names: c.509C>T, p.Ala170Val (NM_001199771.3); short protein forms A170V.
Identifiers: ClinVar variation 2007537 (VCV002007537.4), dbSNP rs2540004085, ClinGen allele CA385201080.